The following is an entry in ClinVar:

NM_001572.5(IRF7):c.310C>T (p.Arg104Cys)

Gene: IRF7 (interferon regulatory factor 7; minus strand). Cytogenetic location: 11p15.5.
Variant type: single nucleotide variant.
Coding change: c.310C>T on transcript NM_001572.5 (MANE Select); coding-DNA position 310, C replaced by T.
Protein change: p.Arg104Cys; replaces arginine 104 with cysteine.
Molecular consequence: missense variant.
Genome position (GRCh38, 1-based): chr11:614,881, G>A on the plus strand (C>T on the coding strand, the complement: IRF7 is on the minus strand). VCF-style: chr11-614881-G-A. GRCh37 (hg19) VCF-style: chr11-614881-G-A.
Other names: c.310C>T, p.Arg104Cys (NM_004029.4); c.349C>T, p.Arg117Cys (NM_004031.4); short protein forms R117C, R104C.
Identifiers: ClinVar variation 2919483 (VCV002919483.3), dbSNP rs11544074, ClinGen allele CA216912910.

ClinVar aggregate classification (germline): Uncertain significance (1 of 4 stars; one submission).

Conditions:
Immunodeficiency 39 (IMD39). Identifiers: Orphanet 574918, MedGen C4225358, MONDO:0014597, OMIM 616345.

Allele frequency attached by ClinVar (database versions not stated): gnomAD 0.00001; TOPMed 0.00002.

Submission:

Labcorp Genetics (formerly Invitae), Labcorp
Classification: Uncertain significance for Immunodeficiency 39. Last evaluated: 2024-09-14. Review status: criteria provided, single submitter. Criteria: Invitae Variant Classification Sherloc (09022015). Collection method: clinical testing. Allele origin: germline.
Comment: This sequence change replaces arginine, which is basic and polar, with cysteine, which is neutral and slightly polar, at codon 117 of the IRF7 protein (p.Arg117Cys). The frequency data for this variant in the population databases is considered unreliable, as metrics indicate poor data quality at this position in the gnomAD database. This variant has not been reported in the literature in individuals affected with IRF7-related conditions. Invitae Evidence Modeling of protein sequence and biophysical properties (such as structural, functional, and spatial information, amino acid conservation, physicochemical variation, residue mobility, and thermodynamic stability) indicates that this missense variant is expected to disrupt IRF7 protein function with a positive predictive value of 80%. In summary, the available evidence is currently insufficient to determine the role of this variant in disease. Therefore, it has been classified as a Variant of Uncertain Significance.